The following is an entry in ClinVar:

NM_002454.3(MTRR):c.1253G>A (p.Arg418Gln)

Gene: MTRR (5-methyltetrahydrofolate-homocysteine methyltransferase reductase; plus strand). Cytogenetic location: 5p15.31.
Variant type: single nucleotide variant.
Coding change: c.1253G>A on transcript NM_002454.3 (MANE Select); coding-DNA position 1253, G replaced by A.
Protein change: p.Arg418Gln; replaces arginine 418 with glutamine.
Molecular consequence: missense variant. On other transcripts: non-coding transcript variant (14).
Genome position (GRCh38, 1-based): chr5:7,889,201, G>A. VCF-style: chr5-7889201-G-A. GRCh37 (hg19) VCF-style: chr5-7889314-G-A.
Other names: c.1253G>A, p.Arg418Gln (NM_001364440.2, NM_001364441.2, NM_001364442.2 and 1 more transcripts); short protein forms R418Q.
Identifiers: ClinVar variation 1019355 (VCV001019355.6), dbSNP rs749461781, ClinGen allele CA3195870.

ClinVar aggregate classification (germline): Uncertain significance. Review status: criteria provided, single submitter (1 of 4 stars). 2 submissions from 2 submitters: Uncertain significance (1). 1 of the submissions does not count toward it. Last evaluated 2022-10-03.

Conditions:
Methylcobalamin deficiency type cblE (HMAE). Also called: VITAMIN B12-RESPONSIVE HOMOCYSTINURIA, cblE TYPE; HOMOCYSTINURIA-MEGALOBLASTIC ANEMIA, cblE COMPLEMENTATION TYPE; HOMOCYSTINURIA-MEGALOBLASTIC ANEMIA, cblE TYPE. Identifiers: Orphanet 2169, Orphanet 622, MedGen C1856057, MONDO:0009354, OMIM 236270.

Allele frequency attached by ClinVar (database versions not stated): gnomAD 0.00001; TOPMed 0.00001; gnomAD exomes 0.00002; ExAC 0.00005.
gnomAD v4.1: 29 of 1,613,760 alleles (0.0018%); highest among the groups gnomAD compares: South Asian, 0.016%; no homozygotes.

Submissions (2):

Labcorp Genetics (formerly Invitae), Labcorp
Classification: Uncertain significance for Methylcobalamin deficiency type cblE. Last evaluated: 2022-10-03. Review status: criteria provided, single submitter. Criteria: Invitae Variant Classification Sherloc (09022015). Collection method: clinical testing. Allele origin: germline.
Comment: This sequence change replaces arginine, which is basic and polar, with glutamine, which is neutral and polar, at codon 418 of the MTRR protein (p.Arg418Gln). This variant is present in population databases (rs749461781, gnomAD 0.02%). This missense change has been observed in individual(s) with cleft lip with/without cleft palate (PMID: 31063268). ClinVar contains an entry for this variant (Variation ID: 1019355). Advanced modeling of protein sequence and biophysical properties (such as structural, functional, and spatial information, amino acid conservation, physicochemical variation, residue mobility, and thermodynamic stability) has been performed at Invitae for this missense variant, however the output from this modeling did not meet the statistical confidence thresholds required to predict the impact of this variant on MTRR protein function. In summary, the available evidence is currently insufficient to determine the role of this variant in disease. Therefore, it has been classified as a Variant of Uncertain Significance.

Natera, Inc.
Classification: Uncertain significance for CblE complementation type homocystinuria-megaloblastic anemia due to defect in cobalamin metabolism. Last evaluated: 2020-12-07. Review status: no assertion criteria provided. Collection method: clinical testing. Allele origin: germline. Not counted in ClinVar's aggregate classification.

Literature cited by the submitters: PubMed 31063268 (cited by Labcorp Genetics (formerly Invitae), Labcorp).